The following is an entry in ClinVar:

NM_001370658.1(BTD):c.219T>C (p.Tyr73=)

Gene: BTD (biotinidase; plus strand). Cytogenetic location: 3p25.1.
Variant type: single nucleotide variant.
Coding change: c.219T>C on transcript NM_001370658.1 (MANE Select); coding-DNA position 219, T replaced by C.
Protein change: p.Tyr73=; no amino-acid change (tyrosine 73 retained).
Molecular consequence: synonymous variant.
Genome position (GRCh38, 1-based): chr3:15,635,658, T>C. VCF-style: chr3-15635658-T-C. GRCh37 (hg19) VCF-style: chr3-15677165-T-C.
Other names: c.279T>C, p.Tyr93= (NM_000060.4); c.219T>C, p.Tyr73= (NM_001281723.4, NM_001281724.3, NM_001281725.3 and 37 more transcripts).
Identifiers: ClinVar variation 2415227 (VCV002415227.16), dbSNP rs1169489990, ClinGen allele CA432818957.
Genomic context (GRCh38, chr3:15,635,658, plus strand): 5'-TCTGGCTCTCATCAGCCGCCAAGAGGCCTTGGAGCTCATGAACCAGAACCTTGACATCTA[T>C]GAACAGCAAGTGATGACTGCAGCCCAAAAGGCAAGAATGCTCCTCGGAACCTGAGTTTCT-3'
Protein context (NP_001357587.1, residues 63-83): LELMNQNLDI[Tyr73=]EQQVMTAAQK

ClinVar aggregate classification (germline): Likely benign. Review status: criteria provided, multiple submitters, no conflicts (2 of 4 stars). 2 submissions from 2 submitters: Likely benign (2). Last evaluated 2025-08-01.

Conditions:
Biotinidase deficiency. Also called: BTD deficiency; Late-onset biotin-responsive multiple carboxylase deficiency; Biotin deficiency. Identifiers: Orphanet 79241, MedGen C0220754, MONDO:0009665, OMIM 253260.

Allele frequency attached by ClinVar (database versions not stated): gnomAD exomes below 0.00001.
gnomAD v4.1: 2 of 1,614,210 alleles (0.00012%); highest among the groups gnomAD compares: Admixed American, 0.0033%; no homozygotes.

Submissions (2):

CeGaT Center for Human Genetics Tuebingen
Classification: Likely benign. Last evaluated: 2025-08-01. Review status: criteria provided, single submitter. Criteria: CeGaT Center For Human Genetics Tuebingen Variant Classification Criteria Version 2. Collection method: clinical testing. Allele origin: germline. Affected: yes. Observed: 1 variant allele.
Comment: BTD: BP4, BP7

Labcorp Genetics (formerly Invitae), Labcorp
Classification: Likely benign for Biotinidase deficiency. Last evaluated: 2023-09-14. Review status: criteria provided, single submitter. Criteria: Invitae Variant Classification Sherloc (09022015). Collection method: clinical testing. Allele origin: germline.